The following is an entry in ClinVar:

ClinVar aggregate classification (germline): Likely benign (0 of 4 stars; one submission).

Conditions:
TRPA1-related disorder. Also called: TRPA1-related condition.

Allele frequency attached by ClinVar (database versions not stated): gnomAD 0.00001; TOPMed 0.00001; ExAC 0.00003; ESP Exome Variant Server 0.00008.
gnomAD v4.1: 55 of 1,613,404 alleles (0.0034%); highest among the groups gnomAD compares: Non-Finnish European, 0.0044%; no homozygotes.

Submission:

PreventionGenetics, part of Exact Sciences
Classification: Likely benign for TRPA1-related condition. Last evaluated: 2020-03-03. Review status: no assertion criteria provided. Collection method: clinical testing. Allele origin: germline.
Comment: This variant is classified as likely benign based on ACMG/AMP sequence variant interpretation guidelines (Richards et al. 2015 PMID: 25741868, with internal and published modifications).

NM_007332.3(TRPA1):c.2555+10G>A

Genes: MSC-AS1 (MSC antisense RNA 1; plus strand), TRPA1 (transient receptor potential cation channel subfamily A member 1; minus strand). Cytogenetic location: 8q21.11.
Variant type: single nucleotide variant.
Coding change: c.2555+10G>A on transcript NM_007332.3 (MANE Select); 10 bases into the intron after coding-DNA position 2555, G replaced by A.
Molecular consequence: intron variant.
Genome position (GRCh38, 1-based): chr8:72,036,278, C>T on the plus strand (G>A on the coding strand, the complement: TRPA1 is on the minus strand). VCF-style: chr8-72036278-C-T. GRCh37 (hg19) VCF-style: chr8-72948513-C-T.
Identifiers: ClinVar variation 3057268 (VCV003057268.2), dbSNP rs375217878, ClinGen allele CA4780487.